The following is an entry in ClinVar:

ClinVar aggregate classification (germline): Pathogenic. Review status: reviewed by expert panel (3 of 4 stars). 2 submissions from 2 submitters: Pathogenic (1). 1 of the submissions does not count toward it. Last evaluated 2016-09-08.

Conditions:
Breast-ovarian cancer, familial, susceptibility to, 1 (BROVCA1). Also called: BRCA1 Hereditary Breast and Ovarian Cancer; OVARIAN CANCER, SUSCEPTIBILITY TO. Identifiers: Orphanet 145, MedGen C2676676, MONDO:0011450, OMIM 604370. Disease mechanism: loss of function.

Submissions (2):

Evidence-based Network for the Interpretation of Germline Mutant Alleles (ENIGMA)
Classification: Pathogenic for Breast-ovarian cancer, familial, susceptibility to, 1. Last evaluated: 2016-09-08. Review status: reviewed by expert panel. Criteria: ENIGMA BRCA1/2 Classification Criteria (2015). Collection method: curation. Allele origin: germline.
Comment: Variant allele predicted to encode a truncated non-functional protein.

Breast Cancer Information Core (BIC) (BRCA1)
Classification: Pathogenic for Breast-ovarian cancer, familial 1. Review status: no assertion criteria provided. Collection method: clinical testing. Allele origin: somatic. Affected: yes. Observed: 1 variant allele. Not counted in ClinVar's aggregate classification.

NM_007294.4(BRCA1):c.3548_3549del (p.Lys1183fs)

Genes: BRCA1 (BRCA1 DNA repair associated; minus strand), LOC126862571 (BRD4-independent group 4 enhancer GRCh37_chr17:41243136-41244335; plus strand). Cytogenetic location: 17q21.31.
Variant type: Deletion.
Coding change: c.3548_3549del on transcript NM_007294.4 (MANE Select); coding-DNA positions 3548 to 3549, 2 bases deleted (AA; older notation c.3548_3549delAA).
Protein change: p.Lys1183fs; shifts the reading frame from lysine 1183.
Molecular consequence: frameshift variant. On other transcripts: intron variant (135).
Genome position (GRCh38, 1-based): chr17:43,091,982-43,091,983, TT deleted on the plus strand (AA on the coding strand, the reverse complement: BRCA1 is on the minus strand); deleting any 2 consecutive bases within chr17:43,091,982-43,091,984 gives the same sequence; the c. name uses the placement nearest the transcript's 3' end. VCF-style (leftmost placement, unchanged base first): chr17-43091981-CTT-C. GRCh37 (hg19) VCF-style: chr17-41243998-CTT-C.
Other names: 3667delAA; c.3548_3549delAA (NM_007294.3); c.710-951_710-950del (NM_001408409.1, NM_001408414.1, NM_001408411.1 and 2 more transcripts); c.575-951_575-950del (NM_001408493.1, NM_001408490.1, NM_001408491.1); c.455-951_455-950del (NM_001408502.1); c.578-951_578-950del (NM_001408489.1, NM_001408479.1, NM_001408482.1 and 9 more transcripts); c.662-951_662-950del (NM_001408445.1, NM_001408432.1, NM_001408450.1 and 6 more transcripts); c.668-951_668-950del (NM_001408431.1, NM_001408424.1, NM_001408421.1); and 43 more; short protein forms K1136fs, K1183fs, K1015fs, K1071fs, K1135fs, K1094fs, K1156fs, K887fs.
Identifiers: ClinVar variation 125636 (VCV000125636.3), dbSNP rs80357956, ClinGen allele CA002268.